The following is an entry in ClinVar:

NM_020347.4(LZTFL1):c.388A>G (p.Ile130Val)

Gene: LZTFL1 (leucine zipper transcription factor like 1; minus strand). Cytogenetic location: 3p21.31.
Variant type: single nucleotide variant.
Coding change: c.388A>G on transcript NM_020347.4 (MANE Select); coding-DNA position 388, A replaced by G.
Protein change: p.Ile130Val; replaces isoleucine 130 with valine.
Molecular consequence: missense variant. On other transcripts: non-coding transcript variant (1).
Genome position (GRCh38, 1-based): chr3:45,833,118, T>C on the plus strand (A>G on the coding strand, the complement: LZTFL1 is on the minus strand). VCF-style: chr3-45833118-T-C. GRCh37 (hg19) VCF-style: chr3-45874610-T-C.
Other names: c.388A>G (NM_020347.3); c.337A>G, p.Ile113Val (NM_001276378.2); c.376A>G, p.Ile126Val (NM_001276379.2); short protein forms I113V, I126V, I130V.
Identifiers: ClinVar variation 1015151 (VCV001015151.4), dbSNP rs751308861, ClinGen allele CA2351940.

ClinVar aggregate classification (germline): Uncertain significance. Review status: criteria provided, multiple submitters, no conflicts (2 of 4 stars). 2 submissions from 2 submitters: Uncertain significance (2). Last evaluated 2025-10-15.

Conditions:
LZTFL1-related disorder. Also called: LZTFL1-related condition.

Allele frequency attached by ClinVar (database versions not stated): TOPMed below 0.00001; gnomAD exomes 0.00002 and 0.00003; ExAC 0.00004.
gnomAD v4.1: 21 of 1,612,106 alleles (0.0013%); highest among the groups gnomAD compares: South Asian, 0.015%; no homozygotes.

Submissions (2):

PreventionGenetics, part of Exact Sciences
Classification: Uncertain significance for LZTFL1-related condition. Last evaluated: 2025-10-15. Review status: criteria provided, single submitter. Criteria: ACMG Guidelines, 2015. Collection method: clinical testing. Allele origin: germline.
Comment: The LZTFL1 c.388A>G variant is predicted to result in the amino acid substitution p.Ile130Val. To our knowledge, this variant has not been reported in the literature. This variant is reported in 0.020% of alleles in individuals of South Asian descent in gnomAD. At this time, the clinical significance of this variant is uncertain due to the absence of conclusive functional and genetic evidence.

Labcorp Genetics (formerly Invitae), Labcorp
Classification: Uncertain significance. Last evaluated: 2023-08-04. Review status: criteria provided, single submitter. Criteria: Invitae Variant Classification Sherloc (09022015). Collection method: clinical testing. Allele origin: germline.
Comment: This sequence change replaces isoleucine, which is neutral and non-polar, with valine, which is neutral and non-polar, at codon 130 of the LZTFL1 protein (p.Ile130Val). This variant is present in population databases (rs751308861, gnomAD 0.02%). This variant has not been reported in the literature in individuals affected with LZTFL1-related conditions. ClinVar contains an entry for this variant (Variation ID: 1015151). Advanced modeling of protein sequence and biophysical properties (such as structural, functional, and spatial information, amino acid conservation, physicochemical variation, residue mobility, and thermodynamic stability) performed at Invitae indicates that this missense variant is not expected to disrupt LZTFL1 protein function. In summary, the available evidence is currently insufficient to determine the role of this variant in disease. Therefore, it has been classified as a Variant of Uncertain Significance.